The following is an entry in ClinVar:

NM_001267550.2(TTN):c.99785del (p.Lys33262fs)

Genes: TTN (titin; minus strand), TTN-AS1 (TTN antisense RNA 1; plus strand), LOC126806420 (BRD4-independent group 4 enhancer GRCh37_chr2:179401104-179402303; plus strand). Cytogenetic location: 2q31.2.
Variant type: Deletion.
Coding change: c.99785del on transcript NM_001267550.2 (MANE Select); coding-DNA position 99785, one base deleted (A; older notation c.99785delA).
Protein change: p.Lys33262fs; shifts the reading frame from lysine 33262.
Molecular consequence: frameshift variant. On other transcripts: non-coding transcript variant (1).
Genome position (GRCh38, 1-based): chr2:178,537,422, T deleted on the plus strand (A on the coding strand, the reverse complement: TTN is on the minus strand); the first of 2 consecutive T bases (chr2:178,537,422-178,537,423); deleting either gives the same sequence. VCF-style (leftmost placement, unchanged base first): chr2-178537421-CT-C. GRCh37 (hg19) VCF-style: chr2-179402148-CT-C.
Other names: c.94862del, p.Lys31621fs (NM_001256850.1); c.72590del, p.Lys24197fs (NM_003319.4); c.92081del, p.Lys30694fs (NM_133378.4); c.72965del, p.Lys24322fs (NM_133432.3); c.73166del, p.Lys24389fs (NM_133437.4); c.72590delA (NM_003319.4); short protein forms K24322fs, K24389fs, K31621fs, K30694fs, K33262fs, K24197fs.
Identifiers: ClinVar variation 4827048 (VCV004827048.1).

ClinVar aggregate classification (germline): Likely pathogenic (1 of 4 stars; one submission).

Conditions:
Cardiovascular phenotype. Identifiers: MedGen CN230736.

Submission:

Ambry Genetics
Classification: Likely pathogenic for Cardiovascular phenotype. Last evaluated: 2026-03-06. Review status: criteria provided, single submitter. Criteria: Ambry Variant Classification Scheme 2023. Collection method: clinical testing. Allele origin: germline.
Comment: The c.72590delA variant, located in coding exon 182 of the TTN gene, results from a deletion of one nucleotide at nucleotide position 72590, causing a translational frameshift with a predicted alternate stop codon (p.K24197Rfs*38). This exon is located in the A-band region of the N2-B isoform of the titin protein and is constitutively expressed in TTN transcripts (percent spliced in or PSI 100%). This variant is considered to be rare based on population cohorts in the Genome Aggregation Database (gnomAD). This variant is expected to result in loss of function by premature protein truncation or nonsense-mediated mRNA decay. While truncating variants in TTN are present in 1-3% of the general population, truncating variants in the A-band are the most common cause of dilated cardiomyopathy (Herman DS et al. N. Engl. J. Med., 2012 Feb;366:619-28; Roberts AM et al. Sci Transl Med, 2015 Jan;7:270ra6). TTN truncating variants encoded in constitutive exons (PSI >90%) have been found to be significantly associated with DCM regardless of their position in titin (Schafer S et al. Nat. Genet., 2017 01;49:46-53; Akhtar MM et al. Circ Heart Fail, 2020 Oct;13:e006832; Massier M et al. Clin Genet, 2025 Jan). Based on the majority of available evidence to date, this variant is likely to be pathogenic.